The following is an entry in ClinVar:

NM_001330260.2(SCN8A):c.5156dup (p.Pro1719_Asp1720insTer)

Gene: SCN8A (sodium voltage-gated channel alpha subunit 8; plus strand). Cytogenetic location: 12q13.13.
Variant type: Duplication.
Coding change: c.5156dup on transcript NM_001330260.2 (MANE Select); coding-DNA position 5156, one base duplicated (C; older notation c.5156dupC).
Protein change: p.Pro1719_Asp1720insTer.
Molecular consequence: frameshift variant.
Genome position (GRCh38, 1-based): chr12:51,806,642, C duplicated; the last of 6 consecutive C bases (chr12:51,806,637-51,806,642); duplicating any one gives the same sequence. VCF-style (leftmost placement, unchanged base first): chr12-51806636-G-GC. GRCh37 (hg19) VCF-style: chr12-52200420-G-GC.
Other names: c.5033dup, p.Pro1678_Asp1679insTer (NM_001177984.3, NM_001369788.1); c.5156dup, p.Pro1719_Asp1720insTer (NM_014191.4).
Identifiers: ClinVar variation 1676875 (VCV001676875.2), dbSNP rs2138942971, ClinGen allele CA605238622.

ClinVar aggregate classification (germline): Likely pathogenic (1 of 4 stars; one submission).

Submission:

GeneDx
Classification: Likely pathogenic. Last evaluated: 2022-12-07. Review status: criteria provided, single submitter. Criteria: GeneDx Variant Classification Process June 2021. Collection method: clinical testing. Allele origin: germline. Affected: yes.
Comment: Nonsense variant in the C-terminus predicted to result in protein truncation as the last 261 amino acids are lost, and other loss-of-function variants have been reported downstream in the Human Gene Mutation Database (HGMD); Has not been previously published as pathogenic or benign to our knowledge; Not observed at significant frequency in large population cohorts (gnomAD)